The following is an entry in ClinVar:

NM_001903.5(CTNNA1):c.432G>A (p.Met144Ile)

Gene: CTNNA1 (catenin alpha 1; plus strand). Cytogenetic location: 5q31.2.
Variant type: single nucleotide variant.
Coding change: c.432G>A on transcript NM_001903.5 (MANE Select); coding-DNA position 432, G replaced by A.
Protein change: p.Met144Ile; replaces methionine 144 with isoleucine.
Molecular consequence: missense variant.
Genome position (GRCh38, 1-based): chr5:138,810,168, G>A. VCF-style: chr5-138810168-G-A. GRCh37 (hg19) VCF-style: chr5-138145857-G-A.
Other names: c.432G>A, p.Met144Ile (NM_001290307.3, NM_001323982.2, NM_001323983.1 and 3 more transcripts); c.123G>A, p.Met41Ile (NM_001290309.3); c.63G>A, p.Met21Ile (NM_001290310.3); short protein forms M21I, M41I, M144I.
Identifiers: ClinVar variation 947481 (VCV000947481.9), dbSNP rs1008397016, ClinGen allele CA128219124.

ClinVar aggregate classification (germline): Uncertain significance (1 of 4 stars; one submission).

Submission:

Labcorp Genetics (formerly Invitae), Labcorp
Classification: Uncertain significance. Last evaluated: 2022-04-16. Review status: criteria provided, single submitter. Criteria: Invitae Variant Classification Sherloc (09022015). Collection method: clinical testing. Allele origin: germline.
Comment: This variant is not present in population databases (gnomAD no frequency). This sequence change replaces methionine, which is neutral and non-polar, with isoleucine, which is neutral and non-polar, at codon 144 of the CTNNA1 protein (p.Met144Ile). In summary, the available evidence is currently insufficient to determine the role of this variant in disease. Therefore, it has been classified as a Variant of Uncertain Significance. RNA analysis performed to evaluate the impact of this missense change on mRNA splicing indicates it does not significantly alter splicing (Invitae). Algorithms developed to predict the effect of missense changes on protein structure and function are either unavailable or do not agree on the potential impact of this missense change (SIFT: "Deleterious"; PolyPhen-2: "Benign"; Align-GVGD: "Class C0"). ClinVar contains an entry for this variant (Variation ID: 947481). This variant has not been reported in the literature in individuals affected with CTNNA1-related conditions.